The following is an entry in ClinVar:

NM_006648.4(WNK2):c.4280C>T (p.Thr1427Ile)

Gene: WNK2 (WNK lysine deficient protein kinase 2; plus strand). Cytogenetic location: 9q22.31.
Variant type: single nucleotide variant.
Coding change: c.4280C>T on transcript NM_006648.4 (MANE Select); coding-DNA position 4280, C replaced by T.
Protein change: p.Thr1427Ile; replaces threonine 1427 with isoleucine.
Molecular consequence: missense variant.
Genome position (GRCh38, 1-based): chr9:93,289,034, C>T. VCF-style: chr9-93289034-C-T. GRCh37 (hg19) VCF-style: chr9-96051316-C-T.
Other names: c.4391C>T, p.Thr1464Ile (NM_001282394.3); short protein forms T1464I, T1427I.
Identifiers: ClinVar variation 3470587 (VCV003470587.1).

ClinVar aggregate classification (germline): Uncertain significance (1 of 4 stars; one submission).

gnomAD v4.1: 3 of 1,604,042 alleles (0.00019%); highest among the groups gnomAD compares: African/African-American, 0.004%; no homozygotes.

Submission:

Ambry Genetics
Classification: Uncertain significance. Last evaluated: 2024-12-04. Review status: criteria provided, single submitter. Criteria: Ambry Variant Classification Scheme 2023. Collection method: clinical testing. Allele origin: germline.
Comment: The p.T1427I variant (also known as c.4280C>T), located in coding exon 19 of the WNK2 gene, results from a C to T substitution at nucleotide position 4280. The threonine at codon 1427 is replaced by isoleucine, an amino acid with similar properties. This amino acid position is conserved. In addition, this alteration is predicted to be tolerated by in silico analysis. Based on the available evidence, the clinical significance of this variant remains unclear.